The following is an entry in ClinVar:

ClinVar aggregate classification (germline): Uncertain significance (1 of 4 stars; one submission).

Conditions:
Lysinuric protein intolerance (LPI). Identifiers: Orphanet 470, MedGen C0268647, MONDO:0009109, OMIM 222700.

gnomAD v4.1: 1 of 1,614,170 alleles (0.000062%); no homozygotes.

Submission:

Labcorp Genetics (formerly Invitae), Labcorp
Classification: Uncertain significance for Lysinuric protein intolerance. Last evaluated: 2024-06-03. Review status: criteria provided, single submitter. Criteria: Invitae Variant Classification Sherloc (09022015). Collection method: clinical testing. Allele origin: germline.
Comment: This sequence change replaces asparagine, which is neutral and polar, with isoleucine, which is neutral and non-polar, at codon 278 of the SLC7A7 protein (p.Asn278Ile). This variant is not present in population databases (gnomAD no frequency). This variant has not been reported in the literature in individuals affected with SLC7A7-related conditions. ClinVar contains an entry for this variant (Variation ID: 2147508). An algorithm developed to predict the effect of missense changes on protein structure and function (PolyPhen-2) suggests that this variant is likely to be disruptive. In summary, the available evidence is currently insufficient to determine the role of this variant in disease. Therefore, it has been classified as a Variant of Uncertain Significance.

NM_003982.4(SLC7A7):c.833A>T (p.Asn278Ile)

Gene: SLC7A7 (solute carrier family 7 member 7; minus strand). Cytogenetic location: 14q11.2.
Variant type: single nucleotide variant.
Coding change: c.833A>T on transcript NM_003982.4 (MANE Select); coding-DNA position 833, A replaced by T.
Protein change: p.Asn278Ile; replaces asparagine 278 with isoleucine.
Molecular consequence: missense variant.
Genome position (GRCh38, 1-based): chr14:22,776,256, T>A on the plus strand (A>T on the coding strand, the complement: SLC7A7 is on the minus strand). VCF-style: chr14-22776256-T-A. GRCh37 (hg19) VCF-style: chr14-23245465-T-A.
Other names: c.833A>T, p.Asn278Ile (NM_001126105.3, NM_001126106.4); short protein forms N278I.
Identifiers: ClinVar variation 2147508 (VCV002147508.2), dbSNP rs368748914, ClinGen allele CA388923630.